The following is an entry in ClinVar:

NM_000297.4(PKD2):c.2522T>C (p.Val841Ala)

Gene: PKD2 (polycystin 2, transient receptor potential cation channel; plus strand). Cytogenetic location: 4q22.1.
Variant type: single nucleotide variant.
Coding change: c.2522T>C on transcript NM_000297.4 (MANE Select); coding-DNA position 2522, T replaced by C.
Protein change: p.Val841Ala; replaces valine 841 with alanine.
Molecular consequence: missense variant. On other transcripts: non-coding transcript variant (1).
Genome position (GRCh38, 1-based): chr4:88,068,061, T>C. VCF-style: chr4-88068061-T-C. GRCh37 (hg19) VCF-style: chr4-88989213-T-C.
Other names: c.2297T>C, p.Val766Ala (NM_001440544.1); short protein forms V766A, V841A.
Identifiers: ClinVar variation 4776270 (VCV004776270.1).

ClinVar aggregate classification (germline): Uncertain significance (1 of 4 stars; one submission).

Conditions:
Autosomal dominant polycystic kidney disease. Identifiers: Orphanet 730, MedGen C0085413, MONDO:0004691.

gnomAD v4.1: 4 of 1,613,662 alleles (0.00025%); highest among the groups gnomAD compares: South Asian, 0.0033%; no homozygotes.

Submission:

Labcorp Genetics (formerly Invitae), Labcorp
Classification: Uncertain significance for Autosomal dominant polycystic kidney disease. Last evaluated: 2025-06-13. Review status: criteria provided, single submitter. Criteria: Invitae Variant Classification Sherloc (09022015). Collection method: clinical testing. Allele origin: germline.
Comment: This sequence change replaces valine, which is neutral and non-polar, with alanine, which is neutral and non-polar, at codon 841 of the PKD2 protein (p.Val841Ala). This variant is not present in population databases (gnomAD no frequency). This variant has not been reported in the literature in individuals affected with PKD2-related conditions. An algorithm developed to predict the effect of missense changes on protein structure and function (PolyPhen-2) suggests that this variant is likely to be disruptive. In summary, the available evidence is currently insufficient to determine the role of this variant in disease. Therefore, it has been classified as a Variant of Uncertain Significance.